The following is an entry in ClinVar:

ClinVar aggregate classification (germline): Uncertain significance (1 of 4 stars; one submission).

Conditions:
Charcot-Marie-Tooth disease type 2. Also called: Charcot-Marie-Tooth type 2. Identifiers: Orphanet 64746, MedGen C0270914, MONDO:0018993.

gnomAD v4.1: 13 of 1,614,094 alleles (0.00081%); highest among the groups gnomAD compares: Non-Finnish European, 0.0011%; no homozygotes.

Submission:

Labcorp Genetics (formerly Invitae), Labcorp
Classification: Uncertain significance for Charcot-Marie-Tooth disease type 2. Last evaluated: 2024-10-02. Review status: criteria provided, single submitter. Criteria: Invitae Variant Classification Sherloc (09022015). Collection method: clinical testing. Allele origin: germline.
Comment: This sequence change replaces cysteine, which is neutral and slightly polar, with tyrosine, which is neutral and polar, at codon 466 of the GARS protein (p.Cys466Tyr). This variant is present in population databases (rs756498678, gnomAD 0.002%). This variant has not been reported in the literature in individuals affected with GARS-related conditions. Invitae Evidence Modeling of protein sequence and biophysical properties (such as structural, functional, and spatial information, amino acid conservation, physicochemical variation, residue mobility, and thermodynamic stability) indicates that this missense variant is not expected to disrupt GARS protein function with a negative predictive value of 80%. In summary, the available evidence is currently insufficient to determine the role of this variant in disease. Therefore, it has been classified as a Variant of Uncertain Significance.

NM_002047.4(GARS1):c.1397G>A (p.Cys466Tyr)

Gene: GARS1 (glycyl-tRNA synthetase 1; plus strand). Cytogenetic location: 7p14.3.
Variant type: single nucleotide variant.
Coding change: c.1397G>A on transcript NM_002047.4 (MANE Select); coding-DNA position 1397, G replaced by A.
Protein change: p.Cys466Tyr; replaces cysteine 466 with tyrosine.
Molecular consequence: missense variant.
Genome position (GRCh38, 1-based): chr7:30,621,430, G>A. VCF-style: chr7-30621430-G-A. GRCh37 (hg19) VCF-style: chr7-30661046-G-A.
Other names: c.1235G>A, p.Cys412Tyr (NM_001316772.1); short protein forms C412Y, C466Y.
Identifiers: ClinVar variation 3711172 (VCV003711172.2).